The following is an entry in ClinVar:

ClinVar aggregate classification (germline): Uncertain significance. Review status: criteria provided, multiple submitters, no conflicts (2 of 4 stars). 2 submissions from 2 submitters: Uncertain significance (2). Last evaluated 2025-07-17.

Conditions:
Gorlin syndrome. Also called: Basal cell nevus syndrome; Nevoid Basal Cell Carcinoma Syndrome. Identifiers: Orphanet 377, MedGen C0004779, MONDO:0007187.
Hereditary cancer-predisposing syndrome. Also called: Hereditary Cancer Syndrome; Tumor predisposition; Neoplastic Syndromes, Hereditary; Hereditary neoplastic syndrome. Identifiers: Orphanet 140162, MedGen C0027672, MeSH D009386, MONDO:0015356.

Submissions (2):

Ambry Genetics
Classification: Uncertain significance for Hereditary cancer-predisposing syndrome. Last evaluated: 2025-07-17. Review status: criteria provided, single submitter. Criteria: Ambry Variant Classification Scheme 2023. Collection method: clinical testing. Allele origin: germline.
Comment: The p.P782L variant (also known as c.2345C>T), located in coding exon 15 of the PTCH1 gene, results from a C to T substitution at nucleotide position 2345. The proline at codon 782 is replaced by leucine, an amino acid with similar properties. This amino acid position is conserved. In addition, this alteration is predicted to be deleterious by in silico analysis. Based on the available evidence, the clinical significance of this variant remains unclear.

Labcorp Genetics (formerly Invitae), Labcorp
Classification: Uncertain significance for Gorlin syndrome. Last evaluated: 2022-03-16. Review status: criteria provided, single submitter. Criteria: Invitae Variant Classification Sherloc (09022015). Collection method: clinical testing. Allele origin: germline.
Comment: This sequence change replaces proline, which is neutral and non-polar, with leucine, which is neutral and non-polar, at codon 782 of the PTCH1 protein (p.Pro782Leu). This variant is not present in population databases (gnomAD no frequency). This variant has not been reported in the literature in individuals affected with PTCH1-related conditions. Algorithms developed to predict the effect of missense changes on protein structure and function are either unavailable or do not agree on the potential impact of this missense change (SIFT: "Deleterious"; PolyPhen-2: "Probably Damaging"; Align-GVGD: "Class C0"). In summary, the available evidence is currently insufficient to determine the role of this variant in disease. Therefore, it has been classified as a Variant of Uncertain Significance.

NM_000264.5(PTCH1):c.2345C>T (p.Pro782Leu)

Genes: PTCH1 (patched 1; minus strand), LOC100507346 (uncharacterized LOC100507346; plus strand). Cytogenetic location: 9q22.32.
Variant type: single nucleotide variant.
Coding change: c.2345C>T on transcript NM_000264.5 (MANE Select); coding-DNA position 2345, C replaced by T.
Protein change: p.Pro782Leu; replaces proline 782 with leucine.
Molecular consequence: missense variant.
Genome position (GRCh38, 1-based): chr9:95,467,331, G>A on the plus strand (C>T on the coding strand, the complement: PTCH1 is on the minus strand). VCF-style: chr9-95467331-G-A. GRCh37 (hg19) VCF-style: chr9-98229613-G-A.
Other names: c.2147C>T, p.Pro716Leu (NM_001083602.3); c.2342C>T, p.Pro781Leu (NM_001083603.3); c.1892C>T, p.Pro631Leu (NM_001083604.3, NM_001083605.3, NM_001083606.3 and 1 more transcripts); c.2189C>T, p.Pro730Leu (NM_001354918.2); short protein forms P716L, P781L, P782L, P631L, P730L.
Identifiers: ClinVar variation 2102742 (VCV002102742.5), dbSNP rs2117968626, ClinGen allele CA374114533.
Genomic context (GRCh38, chr9:95,467,331, plus strand): 5'-TTGTAGAAAGAAAAGTATTTGAATTGTGCAGCAATAAAGTCATATTCTCTGGTTTCCCGA[G>A]GTACAATGTCCGTAAGGTCCAGCCCGTCTCTCACTCGGGTGGTGCCATAAAGGCTGACCC-3'
Protein context (NP_000255.2, residues 772-792): RDGLDLTDIV[Pro782Leu]RETREYDFIA